The following is an entry in ClinVar:

NM_019844.4(SLCO1B3):c.162A>G (p.Gln54=)

Genes: SLCO1B3 (solute carrier organic anion transporter family member 1B3; plus strand), SLCO1B3-SLCO1B7 (SLCO1B3-SLCO1B7 readthrough; plus strand). Cytogenetic location: 12p12.2.
Variant type: single nucleotide variant.
Coding change: c.162A>G on transcript NM_019844.4 (MANE Select); coding-DNA position 162, A replaced by G.
Protein change: p.Gln54=; no amino-acid change (glutamine 54 retained).
Molecular consequence: synonymous variant.
Genome position (GRCh38, 1-based): chr12:20,855,105, A>G. VCF-style: chr12-20855105-A-G. GRCh37 (hg19) VCF-style: chr12-21008039-A-G.
Other names: c.162A>G, p.Gln54= (NM_001371097.1); c.78A>G, p.Gln26= (NM_001349920.2).
Identifiers: ClinVar variation 4981084 (VCV004981084.1).

ClinVar aggregate classification (germline): Likely benign (1 of 4 stars; one submission).

Conditions:
SLCO1B3-related disorder. Also called: SLCO1B3-related condition.

gnomAD v4.1: 46 of 1,612,118 alleles (0.0029%); highest among the groups gnomAD compares: Non-Finnish European, 0.0036%; no homozygotes.

Submission:

PreventionGenetics, part of Exact Sciences
Classification: Likely benign for SLCO1B3-related condition. Last evaluated: 2025-12-03. Review status: criteria provided, single submitter. Criteria: ACMG Guidelines, 2015. Collection method: clinical testing. Allele origin: germline.
Comment: This variant is classified as likely benign based on ACMG/AMP sequence variant interpretation guidelines (Richards et al. 2015 PMID: 25741868, with internal and published modifications).